The following is an entry in ClinVar:

NM_001083961.2(WDR62):c.3083-2A>T

Gene: WDR62 (WD repeat domain 62; plus strand). Cytogenetic location: 19q13.12.
Variant type: single nucleotide variant.
Coding change: c.3083-2A>T on transcript NM_001083961.2 (MANE Select); the canonical splice acceptor site of the intron before coding-DNA position 3083, A replaced by T.
Molecular consequence: splice acceptor variant. On other transcripts: intron variant (1).
Genome position (GRCh38, 1-based): chr19:36,102,012, A>T. VCF-style: chr19-36102012-A-T. GRCh37 (hg19) VCF-style: chr19-36592914-A-T.
Other names: c.3083-2A>T (NM_173636.5); c.2971+695A>T (NM_001411146.1); c.3068-2A>T (NM_001411145.1); c.2732-2A>T (NM_001411147.1).
Identifiers: ClinVar variation 1805940 (VCV001805940.1), dbSNP rs746909693, ClinGen allele CA9396156.

ClinVar aggregate classification (germline): Uncertain significance (1 of 4 stars; one submission).

Conditions:
Microcephaly 2, primary, autosomal recessive, with or without cortical malformations. Also called: MICROCEPHALY 2, PRIMARY, AUTOSOMAL RECESSIVE, WITH CORTICAL MALFORMATIONS; WDR62 Primary Microcephaly. Identifiers: Orphanet 2512, MedGen C1858535, MONDO:0011435, OMIM 604317.

Allele frequency attached by ClinVar (database versions not stated): gnomAD exomes below 0.00001; ExAC 0.00002.
gnomAD v4.1: 4 of 1,614,058 alleles (0.00025%); highest among the groups gnomAD compares: Non-Finnish European, 0.00034%; no homozygotes.

Submission:

Victorian Clinical Genetics Services, Murdoch Childrens Research Institute
Classification: Uncertain significance for Microcephaly 2, primary, autosomal recessive, with or without cortical malformations. Last evaluated: 2022-09-02. Review status: criteria provided, single submitter. Criteria: ACMG Guidelines, 2015. Collection method: clinical testing. Allele origin: germline. Inheritance: Autosomal recessive inheritance. Affected: yes.
Comment: Based on the classification scheme VCGS_Germline_v1.3.4, this variant is classified as VUS-3B. Following criteria are met: 0102 - Loss of function is a known mechanism of disease in this gene and is associated with microcephaly 2, primary, autosomal recessive, with or without cortical malformations (MIM#604317). (I) 0106 - This gene is associated with autosomal recessive disease. (I) 0211 - Canonical splice site variant without proven consequence on splicing (no functional evidence available). (SP) 0251 - This variant is heterozygous. (I) 0304 - Variant is present in gnomAD <0.01 for a recessive condition (v2: 2 heterozygotes, 0 homozygotes). (SP) 0505 - Abnormal splicing is predicted by in silico tools however, affected nucleotide is lowly conserved. (I) 0705 - No comparable splice site variants have previous evidence for pathogenicity. (I) 0807 - This variant has no previous evidence of pathogenicity. (I) 0905 - No published segregation evidence has been identified for this variant. (I) 1007 - No published functional evidence has been identified for this variant. (I) 1208 - Inheritance information for this variant is not currently available in this individual. (I) Legend: (SP) - Supporting pathogenic, (I) - Information, (SB) - Supporting benign